The following is an entry in ClinVar:

NM_001040108.2(MLH3):c.1959A>G (p.Pro653=)

Gene: MLH3 (mutL homolog 3; minus strand). Cytogenetic location: 14q24.3.
Variant type: single nucleotide variant.
Coding change: c.1959A>G on transcript NM_001040108.2 (MANE Select); coding-DNA position 1959, A replaced by G.
Protein change: p.Pro653=; no amino-acid change (proline 653 retained).
Molecular consequence: synonymous variant.
Genome position (GRCh38, 1-based): chr14:75,047,697, T>C on the plus strand (A>G on the coding strand, the complement: MLH3 is on the minus strand). VCF-style: chr14-75047697-T-C. GRCh37 (hg19) VCF-style: chr14-75514400-T-C.
Other names: c.1959A>G, p.Pro653= (NM_014381.3).
Identifiers: ClinVar variation 1783361 (VCV001783361.8), dbSNP rs752173231, ClinGen allele CA7275786.
Genomic context (GRCh38, chr14:75,047,697, plus strand): 5'-TTTTTTGTTGGGCAATTGACCAGATTCTTTACTTAAAGTGCTGGCTAAATCTTTGATGTC[T>C]GGAGTTTCAACTGAATGACGTGTTCTATTTCCAAATGTTTCTTGGGCACGTGTGGGACCA-3'
Protein context (NP_001035197.1, residues 643-663): GNRTRHSVET[Pro653=]DIKDLASTLS

ClinVar aggregate classification (germline): Benign/Likely benign. Review status: criteria provided, multiple submitters, no conflicts (2 of 4 stars). 3 submissions from 3 submitters: Benign (1); Likely benign (2). Last evaluated 2026-05-04.

Conditions:
Colorectal cancer, hereditary nonpolyposis, type 7. Identifiers: Orphanet 144, MedGen C1858380, MONDO:0013725, OMIM 614385.

Allele frequency attached by ClinVar (database versions not stated): ExAC 0.00002; gnomAD 0.00001.
gnomAD v4.1: 12 of 1,614,046 alleles (0.00074%); highest among the groups gnomAD compares: South Asian, 0.0011%; no homozygotes.

Submissions (3):

Myriad Genetics, Inc.
Classification: Benign for Colorectal cancer, hereditary nonpolyposis, type 7. Last evaluated: 2026-05-04. Review status: criteria provided, single submitter. Criteria: Myriad Autosomal Dominant, Autosomal Recessive and X-Linked Classification Criteria (2023). Collection method: clinical testing. Allele origin: unknown.
Comment: This variant is considered benign. This variant is a silent/synonymous amino acid change and it is not expected to impact splicing.

Labcorp Genetics (formerly Invitae), Labcorp
Classification: Likely benign for Colorectal cancer, hereditary nonpolyposis, type 7. Last evaluated: 2022-10-08. Review status: criteria provided, single submitter. Criteria: Invitae Variant Classification Sherloc (09022015). Collection method: clinical testing. Allele origin: germline.

Ambry Genetics
Classification: Likely benign. Last evaluated: 2021-04-04. Review status: criteria provided, single submitter. Criteria: Ambry Variant Classification Scheme 2023. Collection method: clinical testing. Allele origin: germline.